The following is an entry in ClinVar:

NM_015665.6(AAAS):c.1300C>T (p.Arg434Ter)

Gene: AAAS (aladin WD repeat nucleoporin; minus strand). Cytogenetic location: 12q13.13.
Variant type: single nucleotide variant.
Coding change: c.1300C>T on transcript NM_015665.6 (MANE Select); coding-DNA position 1300, C replaced by T.
Protein change: p.Arg434Ter; replaces arginine 434 with a stop codon.
Molecular consequence: nonsense.
Genome position (GRCh38, 1-based): chr12:53,308,083, G>A on the plus strand (C>T on the coding strand, the complement: AAAS is on the minus strand). VCF-style: chr12-53308083-G-A. GRCh37 (hg19) VCF-style: chr12-53701867-G-A.
Other names: c.1201C>T, p.Arg401Ter (NM_001173466.2); short protein forms R434*, R401*.
Identifiers: ClinVar variation 631684 (VCV000631684.8), dbSNP rs751369041, ClinGen allele CA6598893.
Genomic context (GRCh38, chr12:53,308,083, plus strand): 5'-CCAGACCTAAGGGCCCACATGGCACTTACCAGGGAAGGAGCTCAAACACAGGGCTGTTTC[G>A]AGTGCGAAAAAGGAGGATGACTGGTTTACCATCCTGTACCCTTGGCTTTCCTGTAAGAAA-3'

ClinVar aggregate classification (germline): Pathogenic (1 of 4 stars; one submission).

Allele frequency attached by ClinVar (database versions not stated): gnomAD 0.00001; gnomAD exomes 0.00001 and 0.00003; TOPMed 0.00001; ExAC 0.00005.

Submission:

Labcorp Genetics (formerly Invitae), Labcorp
Classification: Pathogenic. Last evaluated: 2023-03-21. Review status: criteria provided, single submitter. Criteria: Invitae Variant Classification Sherloc (09022015). Collection method: clinical testing. Allele origin: germline.
Comment: This sequence change creates a premature translational stop signal (p.Arg434*) in the AAAS gene. It is expected to result in an absent or disrupted protein product. Loss-of-function variants in AAAS are known to be pathogenic (PMID: 11159947). This variant is present in population databases (rs751369041, gnomAD 0.01%). This variant has not been reported in the literature in individuals affected with AAAS-related conditions. ClinVar contains an entry for this variant (Variation ID: 631684). Algorithms developed to predict the effect of variants on protein structure and function are not available or were not evaluated for this variant. Experimental studies have shown that this premature translational stop signal affects AAAS function (PMID: 16609705). For these reasons, this variant has been classified as Pathogenic.

Literature cited by the submitters: PubMed 11159947; PubMed 16609705.